The following is an entry in ClinVar:

NM_004385.5(VCAN):c.2072T>C (p.Ile691Thr)

Gene: VCAN (versican; plus strand). Cytogenetic location: 5q14.3.
Variant type: single nucleotide variant.
Coding change: c.2072T>C on transcript NM_004385.5 (MANE Select); coding-DNA position 2072, T replaced by C.
Protein change: p.Ile691Thr; replaces isoleucine 691 with threonine.
Molecular consequence: missense variant. On other transcripts: intron variant (2).
Genome position (GRCh38, 1-based): chr5:83,520,378, T>C. VCF-style: chr5-83520378-T-C. GRCh37 (hg19) VCF-style: chr5-82816197-T-C.
Other names: c.2072T>C, p.Ile691Thr (NM_001164098.2); c.1042+7982T>C (NM_001164097.2, NM_001126336.3); short protein forms I691T.
Identifiers: ClinVar variation 4798811 (VCV004798811.1).

ClinVar aggregate classification (germline): Uncertain significance (1 of 4 stars; one submission).

Submission:

Labcorp Genetics (formerly Invitae), Labcorp
Classification: Uncertain significance. Last evaluated: 2025-12-06. Review status: criteria provided, single submitter. Criteria: Invitae Variant Classification Sherloc (09022015). Collection method: clinical testing. Allele origin: germline.
Comment: This sequence change replaces isoleucine, which is neutral and non-polar, with threonine, which is neutral and polar, at codon 691 of the VCAN protein (p.Ile691Thr). This variant is not present in population databases (gnomAD no frequency). This variant has not been reported in the literature in individuals affected with VCAN-related conditions. An algorithm developed to predict the effect of missense changes on protein structure and function (PolyPhen-2) suggests that this variant is likely to be tolerated. In summary, the available evidence is currently insufficient to determine the role of this variant in disease. Therefore, it has been classified as a Variant of Uncertain Significance.